The following is an entry in ClinVar:

ClinVar aggregate classification (germline): Uncertain significance (1 of 4 stars; one submission).

Allele frequency attached by ClinVar (database versions not stated): TOPMed below 0.00001; gnomAD 0.00001.
gnomAD v4.1: 1 of 1,585,888 alleles (0.000063%); highest among the groups gnomAD compares: Non-Finnish European, 0.000085%; no homozygotes.

Submission:

Labcorp Genetics (formerly Invitae), Labcorp
Classification: Uncertain significance. Last evaluated: 2024-04-10. Review status: criteria provided, single submitter. Criteria: Invitae Variant Classification Sherloc (09022015). Collection method: clinical testing. Allele origin: germline.
Comment: This sequence change replaces proline, which is neutral and non-polar, with serine, which is neutral and polar, at codon 49 of the TSEN34 protein (p.Pro49Ser). This variant is not present in population databases (gnomAD no frequency). This variant has not been reported in the literature in individuals affected with TSEN34-related conditions. ClinVar contains an entry for this variant (Variation ID: 2123962). An algorithm developed to predict the effect of missense changes on protein structure and function (PolyPhen-2) suggests that this variant is likely to be disruptive. In summary, the available evidence is currently insufficient to determine the role of this variant in disease. Therefore, it has been classified as a Variant of Uncertain Significance.

NM_001077446.4(TSEN34):c.145C>T (p.Pro49Ser)

Gene: TSEN34 (tRNA splicing endonuclease subunit 34; plus strand). Cytogenetic location: 19q13.42.
Variant type: single nucleotide variant.
Coding change: c.145C>T on transcript NM_001077446.4 (MANE Select); coding-DNA position 145, C replaced by T.
Protein change: p.Pro49Ser; replaces proline 49 with serine.
Molecular consequence: missense variant.
Genome position (GRCh38, 1-based): chr19:54,191,509, C>T. VCF-style: chr19-54191509-C-T. GRCh37 (hg19) VCF-style: chr19-54695360-C-T.
Other names: c.145C>T, p.Pro49Ser (NM_001282332.2, NM_001282333.2, NM_001386740.1 and 1 more transcripts); short protein forms P49S.
Identifiers: ClinVar variation 2123962 (VCV002123962.4), dbSNP rs1388984477, ClinGen allele CA407762148.